The following is an entry in ClinVar:

ClinVar aggregate classification (germline): Benign/Likely benign. Review status: criteria provided, multiple submitters, no conflicts (2 of 4 stars). 15 submissions from 12 submitters: Benign (9); Likely benign (6). Last evaluated 2026-08-01.

Conditions:
Congenital myopathy 18. Also called: Myopathy, congenital, due to dihydropyridine receptor defect; DIHYDROPYRIDINE RECEPTOR CONGENITAL MYOPATHY; DHPR CONGENITAL MYOPATHY. Identifiers: MedGen C5830283, MONDO:0859514, OMIM 620246.
Malignant hyperthermia, susceptibility to, 5 (MHS5). Also called: CACNA1S-Related Malignant Hyperthermia Susceptibility. Identifiers: Orphanet 423, MedGen C1866077, MONDO:0011163, OMIM 601887.
Hypokalemic periodic paralysis, type 1. Also called: Hypokalemic Periodic Paralysis Type 1 (AD); HypoPP. Identifiers: Orphanet 681, MedGen C3714580, MONDO:0042979, OMIM 170400.
Inborn genetic diseases. Identifiers: MedGen C0950123, MeSH D030342.
Thyrotoxic periodic paralysis, susceptibility to, 1 (TTPP1). Identifiers: Orphanet 79102, MedGen C2749982, MONDO:0008570, OMIM 188580.

Allele frequency attached by ClinVar (database versions not stated): 1000 Genomes Project 0.00040; 1000 Genomes Project 30x 0.00047; TOPMed 0.00104; ESP Exome Variant Server 0.00131.
gnomAD v4.1: 2,150 of 1,598,724 alleles (0.13%); highest among the groups gnomAD compares: Non-Finnish European, 0.17%; 6 homozygotes.

Submissions (15):

CeGaT Center for Human Genetics Tuebingen
Classification: Likely benign. Last evaluated: 2026-08-01. Review status: criteria provided, single submitter. Criteria: CeGaT Center For Human Genetics Tuebingen Variant Classification Criteria Version 2. Collection method: clinical testing. Allele origin: germline. Affected: yes. Observed: 9 variant alleles.
Comment: CACNA1S: BP4, BP7

Ambry Genetics
Classification: Likely benign for Inborn genetic diseases. Last evaluated: 2026-07-01. Review status: criteria provided, single submitter. Criteria: Ambry Variant Classification Scheme 2023. Collection method: clinical testing. Allele origin: germline.

Labcorp Genetics (formerly Invitae), Labcorp
Classification: Benign for Hypokalemic periodic paralysis, type 1; Malignant hyperthermia, susceptibility to, 5. Last evaluated: 2026-02-02. Review status: criteria provided, single submitter. Criteria: Invitae Variant Classification Sherloc (09022015). Collection method: clinical testing. Allele origin: germline.

Mayo Clinic Laboratories, Mayo Clinic
Classification: Likely benign. Last evaluated: 2025-04-19. Review status: criteria provided, single submitter. Criteria: ACMG Guidelines, 2015. Collection method: clinical testing. Allele origin: germline. Observed: 3 variant alleles.
Comment: BS2, BP4, BP7

Blueprint Genetics
Classification: Likely benign. Last evaluated: 2024-10-29. Review status: criteria provided, single submitter. Criteria: ACMG Guidelines, 2015. Collection method: clinical testing. Allele origin: germline.

All of Us Research Program, National Institutes of Health
Classification: Benign for Malignant hyperthermia, susceptibility to, 5. Last evaluated: 2024-02-05. Review status: criteria provided, single submitter. Criteria: ACMG Guidelines, 2015. Collection method: clinical testing. Allele origin: germline. Inheritance: Autosomal dominant inheritance. Observed: 322 variant alleles, 321 heterozygotes, 1 homozygote.
Comment: This study involves interpretation of variants in research participants for the purpose of population health screening. Participant phenotype was not available at the time of variant classification. Additional details can be found in publication PMID: 35346344, PMCID: PMC8962531

ARUP Laboratories, Molecular Genetics and Genomics, ARUP Laboratories
Classification: Benign. Last evaluated: 2023-10-13. Review status: criteria provided, single submitter. Criteria: ARUP Molecular Germline Variant Investigation Process 2024. Collection method: clinical testing. Allele origin: germline.

Genome-Nilou Lab
Classification: Benign for Malignant hyperthermia, susceptibility to, 5. Last evaluated: 2023-04-11. Review status: criteria provided, single submitter. Criteria: ACMG Guidelines, 2015. Collection method: clinical testing. Allele origin: germline. Affected: no.

Genome-Nilou Lab
Classification: Benign for Thyrotoxic periodic paralysis, susceptibility to, 1. Last evaluated: 2023-04-11. Review status: criteria provided, single submitter. Criteria: ACMG Guidelines, 2015. Collection method: clinical testing. Allele origin: germline. Affected: no.

Genome-Nilou Lab
Classification: Benign for Congenital myopathy 18. Last evaluated: 2023-04-11. Review status: criteria provided, single submitter. Criteria: ACMG Guidelines, 2015. Collection method: clinical testing. Allele origin: germline. Affected: no.

Genome-Nilou Lab
Classification: Benign for Hypokalemic periodic paralysis, type 1. Last evaluated: 2023-04-11. Review status: criteria provided, single submitter. Criteria: ACMG Guidelines, 2015. Collection method: clinical testing. Allele origin: germline. Affected: no.

Color Diagnostics, LLC DBA Color Health
Classification: Benign for Malignant hyperthermia, susceptibility to, 5. Last evaluated: 2022-09-20. Review status: criteria provided, single submitter. Criteria: ACMG Guidelines, 2015. Collection method: clinical testing. Allele origin: germline.

GeneDx
Classification: Likely benign. Last evaluated: 2020-11-27. Review status: criteria provided, single submitter. Criteria: GeneDx Variant Classification Process June 2021. Collection method: clinical testing. Allele origin: germline. Affected: yes.
Comment: This variant is associated with the following publications: (PMID: 26467025, 30325262)

Illumina Laboratory Services, Illumina
Classification: Benign for Hypokalemic periodic paralysis, type 1. Last evaluated: 2018-01-13. Review status: criteria provided, single submitter. Criteria: ICSL Variant Classification Criteria 13 December 2019. Collection method: clinical testing. Allele origin: germline.
Comment: This variant was observed in the ICSL laboratory as part of a predisposition screen in an ostensibly healthy population. It had not been previously curated by ICSL or reported in the Human Gene Mutation Database (HGMD: prior to June 1st, 2018), and was therefore a candidate for classification through an automated scoring system. Utilizing variant allele frequency, disease prevalence and penetrance estimates, and inheritance mode, an automated score was calculated to assess if this variant is too frequent to cause the disease. Based on the score and internal cut-off values, a variant classified as benign is not then subjected to further curation. The score for this variant resulted in a classification of benign for this disease.

PreventionGenetics, part of Exact Sciences
Classification: Likely benign. Review status: criteria provided, single submitter. Criteria: ACMG Guidelines, 2015. Collection method: clinical testing. Allele origin: germline.

NM_000069.3(CACNA1S):c.2454G>A (p.Ala818=)

Gene: CACNA1S (calcium voltage-gated channel subunit alpha1 S; minus strand). Cytogenetic location: 1q32.1.
Variant type: single nucleotide variant.
Coding change: c.2454G>A on transcript NM_000069.3 (MANE Select); coding-DNA position 2454, G replaced by A.
Protein change: p.Ala818=; no amino-acid change (alanine 818 retained).
Molecular consequence: synonymous variant.
Genome position (GRCh38, 1-based): chr1:201,069,508, C>T on the plus strand (G>A on the coding strand, the complement: CACNA1S is on the minus strand). VCF-style: chr1-201069508-C-T. GRCh37 (hg19) VCF-style: chr1-201038636-C-T.
Other names: p.Ala818=.
Identifiers: ClinVar variation 254815 (VCV000254815.65), dbSNP rs141619541, ClinGen allele CA078997.
Genomic context (GRCh38, chr1:201,069,508, plus strand): 5'-GGCAGAGAGGGTGAAGCCCGTCACCTGATTTCTCATGGAATCAGCCCGGATGGGGTCTTC[C>T]GCAGCCAGTGCAGCGCTGCTGAGCAGGATGAAGAGCAGGATGAAGTTGGTAAACCAGGTG-3'
Protein context (NP_000060.2, residues 808-828): FILLSSAALA[Ala818=]EDPIRADSMR